The following is an entry in ClinVar:

ClinVar aggregate classification (germline): Benign/Likely benign. Review status: criteria provided, multiple submitters, no conflicts (2 of 4 stars). 7 submissions from 7 submitters: Benign (1); Likely benign (6). Last evaluated 2025-12-01.

Conditions:
Colorectal cancer, hereditary nonpolyposis, type 6. Also called: Colon cancer, hereditary nonpolyposis, type 6; Colon cancer, hereditary nonpolyposis, type 6, somatic. Identifiers: Orphanet 144, MedGen C1860896, MONDO:0013695, OMIM 614331.
Loeys-Dietz syndrome 2 (LDS2). Also called: AORTIC ANEURYSM, FAMILIAL THORACIC 3; MARFAN SYNDROME, TYPE II; Marfan syndrome, type 2 (formerly); TGFBR2-Related Loeys-Dietz Syndrome; Marfan Syndrome type 2; Marfan like connective tissue disorder. Identifiers: Orphanet 284973, Orphanet 558, MedGen C2674574, MONDO:0012427, OMIM 610168.
Malignant tumor of esophagus. Also called: Esophageal cancer; Esophageal cancer, somatic. Identifiers: Orphanet 99977, MedGen C0546837, MONDO:0007576, OMIM 133239.
Familial thoracic aortic aneurysm and aortic dissection (TAAD). Also called: Thoracic aortic aneurysms and dissections. Identifiers: Orphanet 91387, MedGen C4707243, MONDO:0019625.

Allele frequency attached by ClinVar (database versions not stated): gnomAD 0.00002; TOPMed 0.00005.
gnomAD v4.1: 88 of 1,614,064 alleles (0.0055%); highest among the groups gnomAD compares: East Asian, 0.12%; no homozygotes.

Submissions (7):

CeGaT Center for Human Genetics Tuebingen
Classification: Likely benign. Last evaluated: 2025-12-01. Review status: criteria provided, single submitter. Criteria: CeGaT Center For Human Genetics Tuebingen Variant Classification Criteria Version 2. Collection method: clinical testing. Allele origin: germline. Affected: yes. Observed: 6 variant alleles.
Comment: TGFBR2: BP4, BP7

Labcorp Genetics (formerly Invitae), Labcorp
Classification: Benign for Familial thoracic aortic aneurysm and aortic dissection. Last evaluated: 2025-11-23. Review status: criteria provided, single submitter. Criteria: Invitae Variant Classification Sherloc (09022015). Collection method: clinical testing. Allele origin: germline.

All of Us Research Program, National Institutes of Health
Classification: Likely benign for Loeys-Dietz syndrome 2. Last evaluated: 2023-12-13. Review status: criteria provided, single submitter. Criteria: ACMG Guidelines, 2015. Collection method: clinical testing. Allele origin: germline. Inheritance: Autosomal dominant inheritance. Observed: 9 variant alleles, 9 heterozygotes.
Comment: This study involves interpretation of variants in research participants for the purpose of population health screening. Participant phenotype was not available at the time of variant classification. Additional details can be found in publication PMID: 35346344, PMCID: PMC8962531

Blueprint Genetics
Classification: Likely benign. Last evaluated: 2021-11-08. Review status: criteria provided, single submitter. Criteria: ACMG Guidelines, 2015. Collection method: clinical testing. Allele origin: germline.

Fulgent Genetics
Classification: Likely benign for Malignant tumor of esophagus; Loeys-Dietz syndrome 2; Colorectal cancer, hereditary nonpolyposis, type 6. Last evaluated: 2021-08-10. Review status: criteria provided, single submitter. Criteria: ACMG Guidelines, 2015. Collection method: clinical testing. Allele origin: unknown.

Color Diagnostics, LLC DBA Color Health
Classification: Likely benign for Familial thoracic aortic aneurysm and aortic dissection. Last evaluated: 2018-10-18. Review status: criteria provided, single submitter. Criteria: ACMG Guidelines, 2015. Collection method: clinical testing. Allele origin: germline.

Ambry Genetics
Classification: Likely benign for Familial thoracic aortic aneurysm and aortic dissection. Last evaluated: 2015-12-09. Review status: criteria provided, single submitter. Criteria: Ambry Variant Classification Scheme 2023. Collection method: clinical testing. Allele origin: germline.

NM_003242.6(TGFBR2):c.927G>A (p.Thr309=)

Gene: TGFBR2 (transforming growth factor beta receptor 2; plus strand). Cytogenetic location: 3p24.1.
Variant type: single nucleotide variant.
Coding change: c.927G>A on transcript NM_003242.6 (MANE Select); coding-DNA position 927, G replaced by A.
Protein change: p.Thr309=; no amino-acid change (threonine 309 retained).
Molecular consequence: synonymous variant. On other transcripts: intron variant (1).
Genome position (GRCh38, 1-based): chr3:30,672,110, G>A. VCF-style: chr3-30672110-G-A. GRCh37 (hg19) VCF-style: chr3-30713602-G-A.
Other names: c.1002G>A, p.Thr334= (NM_001024847.3); c.1110G>A, p.Thr370= (NM_001407126.1); c.1035G>A, p.Thr345= (NM_001407127.1); c.954G>A, p.Thr318= (NM_001407128.1); c.930G>A, p.Thr310= (NM_001407129.1); c.927G>A, p.Thr309= (NM_001407130.1); c.822G>A, p.Thr274= (NM_001407132.1, NM_001407133.1, NM_001407134.1 and 2 more transcripts); c.642G>A, p.Thr214= (NM_001407137.1); and 2 more.
Identifiers: ClinVar variation 263881 (VCV000263881.56), dbSNP rs756625146, ClinGen allele CA050194.
Genomic context (GRCh38, chr3:30,672,110, plus strand): 5'-AGAGAAGGACATCTTCTCAGACATCAATCTGAAGCATGAGAACATACTCCAGTTCCTGAC[G>A]GCTGAGGAGCGGAAGACGGAGTTGGGGAAACAATACTGGCTGATCACCGCCTTCCACGCC-3'
Protein context (NP_003233.4, residues 299-319): LKHENILQFL[Thr309=]AEERKTELGK